The following is an entry in ClinVar:

ClinVar aggregate classification (germline): Uncertain significance (1 of 4 stars; one submission).

Conditions:
Blau syndrome (BLAUS). Also called: GRANULOMATOSIS, FAMILIAL JUVENILE SYSTEMIC; GRANULOMATOSIS, FAMILIAL, BLAU TYPE; GRANULOMATOUS INFLAMMATORY ARTHRITIS, DERMATITIS, AND UVEITIS, FAMILIAL; JABS SYNDROME; ARTHROCUTANEOUVEAL GRANULOMATOSIS. Identifiers: Orphanet 90340, MedGen C5201146, MONDO:0008523, OMIM 186580.
Regional enteritis. Also called: Enteritis, Granulomatous. Identifiers: MedGen C0678202, MeSH D003424.

Allele frequency attached by ClinVar (database versions not stated): gnomAD exomes below 0.00001; ExAC 0.00001; gnomAD 0.00001; TOPMed 0.00002.
gnomAD v4.1: 4 of 1,613,038 alleles (0.00025%); highest among the groups gnomAD compares: African/African-American, 0.0053%; no homozygotes.

Submission:

Labcorp Genetics (formerly Invitae), Labcorp
Classification: Uncertain significance for Regional enteritis; Blau syndrome. Last evaluated: 2019-10-09. Review status: criteria provided, single submitter. Criteria: Invitae Variant Classification Sherloc (09022015). Collection method: clinical testing. Allele origin: germline.
Comment: This sequence change creates a premature translational stop signal (p.Gln704*) in the NOD2 gene. It is expected to result in an absent or disrupted protein product. The frequency data for this variant in the population databases is considered unreliable, as metrics indicate poor data quality at this position in the ExAC database. This variant has not been reported in the literature in individuals with NOD2-related conditions. The current clinical and genetic evidence is not sufficient to establish whether loss-of-function variants in NOD2 cause disease. In summary, the available evidence is currently insufficient to determine the role of this variant in disease. Therefore, it has been classified as a Variant of Uncertain Significance.

NM_001370466.1(NOD2):c.2029C>T (p.Gln677Ter)

Gene: NOD2 (nucleotide binding oligomerization domain containing 2; plus strand). Cytogenetic location: 16q12.1.
Variant type: single nucleotide variant.
Coding change: c.2029C>T on transcript NM_001370466.1 (MANE Select); coding-DNA position 2029, C replaced by T.
Protein change: p.Gln677Ter; replaces glutamine 677 with a stop codon.
Molecular consequence: nonsense. On other transcripts: non-coding transcript variant (1).
Genome position (GRCh38, 1-based): chr16:50,712,021, C>T. VCF-style: chr16-50712021-C-T. GRCh37 (hg19) VCF-style: chr16-50745932-C-T.
Other names: c.2029C>T, p.Gln677Ter (NM_001293557.2); c.2110C>T, p.Gln704Ter (NM_022162.3); short protein forms Q677*, Q704*.
Identifiers: ClinVar variation 969830 (VCV000969830.8), dbSNP rs755721919, ClinGen allele CA8051695.
Genomic context (GRCh38, chr16:50,712,021, plus strand): 5'-CGGGAGCACTGGGGCCTGCTGGCTGAGTGCCAGACATCTGAGAAGGCCCTGCTCCGGCGC[C>T]AGGCCTGTGCCCGCTGGTGTCTGGCCCGCAGCCTCCGCAAGCACTTCCACTCCATCCCGC-3'